The following is an entry in ClinVar:

ClinVar aggregate classification (germline): Uncertain significance (1 of 4 stars; one submission).

Conditions:
Cardiovascular phenotype. Identifiers: MedGen CN230736.
Hereditary cancer-predisposing syndrome. Also called: Neoplastic Syndromes, Hereditary; Tumor predisposition; Hereditary neoplastic syndrome; Hereditary Cancer Syndrome. Identifiers: Orphanet 140162, MedGen C0027672, MeSH D009386, MONDO:0015356.

Submission:

Ambry Genetics
Classification: Uncertain significance for Cardiovascular phenotype; Hereditary cancer-predisposing syndrome. Last evaluated: 2026-07-30. Review status: criteria provided, single submitter. Criteria: Ambry Variant Classification Scheme 2023. Collection method: clinical testing. Allele origin: germline.
Comment: The c.4294_4295delGTinsCA variant (also known as p.V1432H), located in coding exon 32 of the NF1 gene, results from an in-frame deletion of GT and insertion of CA at nucleotide positions 4294 to 4295. This results in the substitution of the valine residue for a histidine residue at codon 1432, an amino acid with similar properties. This amino acid position is highly conserved in available vertebrate species. In addition, the in silico prediction for this variant is inconclusive (Choi Y et al. PLoS ONE. 2012; 7(10):e46688). Based on the available evidence, the clinical significance of this variant remains unclear.

NM_001042492.3(NF1):c.4357_4358delinsCA (p.Val1453His)

Gene: NF1 (neurofibromin 1; plus strand). Cytogenetic location: 17q11.2.
Variant type: Indel.
Coding change: c.4357_4358delinsCA on transcript NM_001042492.3 (MANE Select); coding-DNA positions 4357 to 4358, GT replaced by CA.
Protein change: p.Val1453His; replaces valine 1453 with histidine.
Molecular consequence: missense variant.
Genome position (GRCh38, 1-based): chr17:31,259,056-31,259,057, GT replaced by CA. VCF-style: chr17-31259056-GT-CA. GRCh37 (hg19) VCF-style: chr17-29586074-GT-CA.
Other names: c.4294_4295delinsCA, p.Val1432His (NM_000267.4); short protein forms V1432H, V1453H.
Identifiers: ClinVar variation 5025591 (VCV005025591.1).